The following is an entry in ClinVar:

NM_000057.4(BLM):c.1742C>T (p.Thr581Ile)

Gene: BLM (BLM RecQ like helicase; plus strand). Cytogenetic location: 15q26.1.
Variant type: single nucleotide variant.
Coding change: c.1742C>T on transcript NM_000057.4 (MANE Select); coding-DNA position 1742, C replaced by T.
Protein change: p.Thr581Ile; replaces threonine 581 with isoleucine.
Molecular consequence: missense variant.
Genome position (GRCh38, 1-based): chr15:90,761,115, C>T. VCF-style: chr15-90761115-C-T. GRCh37 (hg19) VCF-style: chr15-91304345-C-T.
Other names: c.1742C>T, p.Thr581Ile (NM_001287246.2, NM_001287247.2); c.617C>T, p.Thr206Ile (NM_001287248.2); short protein forms T581I, T206I.
Identifiers: ClinVar variation 1779221 (VCV001779221.2), dbSNP rs2151158892, ClinGen allele CA393843749.

ClinVar aggregate classification (germline): Uncertain significance (1 of 4 stars; one submission).

Conditions:
Hereditary cancer-predisposing syndrome. Also called: Neoplastic Syndromes, Hereditary; Tumor predisposition; Hereditary Cancer Syndrome; Hereditary neoplastic syndrome. Identifiers: Orphanet 140162, MedGen C0027672, MeSH D009386, MONDO:0015356.

Submission:

Ambry Genetics
Classification: Uncertain significance for Hereditary cancer-predisposing syndrome. Last evaluated: 2021-06-10. Review status: criteria provided, single submitter. Criteria: Ambry Variant Classification Scheme 2023. Collection method: clinical testing. Allele origin: germline.
Comment: The p.T581I variant (also known as c.1742C>T), located in coding exon 6 of the BLM gene, results from a C to T substitution at nucleotide position 1742. The threonine at codon 581 is replaced by isoleucine, an amino acid with similar properties. This amino acid position is conserved. In addition, this alteration is predicted to be tolerated by in silico analysis. Since supporting evidence is limited at this time, the clinical significance of this alteration remains unclear.